The following is an entry in ClinVar:

NM_001009944.3(PKD1):c.5688C>G (p.Ser1896Arg)

Gene: PKD1 (polycystin 1, transient receptor potential channel interacting; minus strand). Cytogenetic location: 16p13.3.
Variant type: single nucleotide variant.
Coding change: c.5688C>G on transcript NM_001009944.3 (MANE Select); coding-DNA position 5688, C replaced by G.
Protein change: p.Ser1896Arg; replaces serine 1896 with arginine.
Molecular consequence: missense variant.
Genome position (GRCh38, 1-based): chr16:2,109,479, G>C on the plus strand (C>G on the coding strand, the complement: PKD1 is on the minus strand). VCF-style: chr16-2109479-G-C. GRCh37 (hg19) VCF-style: chr16-2159480-G-C.
Other names: c.5688C>G, p.Ser1896Arg (NM_000296.4); c.5688C>G (NM_000296.3); short protein forms S1896R.
Identifiers: ClinVar variation 2428872 (VCV002428872.10), dbSNP rs766509980, ClinGen allele CA7831893.

ClinVar aggregate classification (germline): Conflicting classifications of pathogenicity. Review status: criteria provided, conflicting classifications (1 of 4 stars). 3 submissions from 3 submitters: Uncertain significance (2); Likely benign (1). Last evaluated 2025-10-01.

Conditions:
Inborn genetic diseases. Identifiers: MedGen C0950123, MeSH D030342.

Allele frequency attached by ClinVar (database versions not stated): gnomAD 0.00005; TOPMed 0.00009; gnomAD exomes 0.00003; ExAC 0.00011.
gnomAD v4.1: 45 of 1,609,056 alleles (0.0028%); highest among the groups gnomAD compares: African/African-American, 0.016%; no homozygotes.

Submissions (3):

CeGaT Center for Human Genetics Tuebingen
Classification: Likely benign. Last evaluated: 2025-10-01. Review status: criteria provided, single submitter. Criteria: CeGaT Center For Human Genetics Tuebingen Variant Classification Criteria Version 2. Collection method: clinical testing. Allele origin: germline. Affected: yes. Observed: 1 variant allele.
Comment: PKD1: BP4

Ambry Genetics
Classification: Uncertain significance for Inborn genetic diseases. Last evaluated: 2022-10-03. Review status: criteria provided, single submitter. Criteria: Ambry Variant Classification Scheme 2023. Collection method: clinical testing. Allele origin: germline.

GeneDx
Classification: Uncertain significance. Last evaluated: 2022-08-05. Review status: criteria provided, single submitter. Criteria: GeneDx Variant Classification Process June 2021. Collection method: clinical testing. Allele origin: germline. Affected: yes.
Comment: In silico analysis supports that this missense variant does not alter protein structure/function; Has not been previously published as pathogenic or benign to our knowledge